The following is an entry in ClinVar:

NM_012232.6(CAVIN1):c.108G>A (p.Ser36=)

Gene: CAVIN1 (caveolae associated protein 1; minus strand). Cytogenetic location: 17q21.2.
Variant type: single nucleotide variant.
Coding change: c.108G>A on transcript NM_012232.6 (MANE Select); coding-DNA position 108, G replaced by A.
Protein change: p.Ser36=; no amino-acid change (serine 36 retained).
Molecular consequence: synonymous variant.
Genome position (GRCh38, 1-based): chr17:42,422,990, C>T on the plus strand (G>A on the coding strand, the complement: CAVIN1 is on the minus strand). VCF-style: chr17-42422990-C-T. GRCh37 (hg19) VCF-style: chr17-40575008-C-T.
Identifiers: ClinVar variation 727012 (VCV000727012.7), dbSNP rs563122522, ClinGen allele CA8575941.

ClinVar aggregate classification (germline): Likely benign. Review status: criteria provided, multiple submitters, no conflicts (2 of 4 stars). 3 submissions from 3 submitters: Likely benign (2). 1 of the submissions does not count toward it. Last evaluated 2026-01-21.

Conditions:
CAVIN1-related disorder. Also called: CAVIN1-related condition.

Allele frequency attached by ClinVar (database versions not stated): gnomAD 0.00004 and 0.00007; TOPMed 0.00011; ExAC 0.00013; 1000 Genomes Project 0.00040; 1000 Genomes Project 30x 0.00047.

Submissions (3):

Labcorp Genetics (formerly Invitae), Labcorp
Classification: Likely benign. Last evaluated: 2026-01-21. Review status: criteria provided, single submitter. Criteria: Invitae Variant Classification Sherloc (09022015). Collection method: clinical testing. Allele origin: germline.

Blueprint Genetics
Classification: Likely benign. Last evaluated: 2024-11-08. Review status: criteria provided, single submitter. Criteria: ACMG Guidelines, 2015. Collection method: clinical testing. Allele origin: germline.

PreventionGenetics, part of Exact Sciences
Classification: Likely benign for CAVIN1-related condition. Last evaluated: 2020-03-04. Review status: no assertion criteria provided. Collection method: clinical testing. Allele origin: germline. Not counted in ClinVar's aggregate classification.
Comment: This variant is classified as likely benign based on ACMG/AMP sequence variant interpretation guidelines (Richards et al. 2015 PMID: 25741868, with internal and published modifications).